The following is an entry in ClinVar:

ClinVar aggregate classification (germline): Uncertain significance. Review status: criteria provided, multiple submitters, no conflicts (2 of 4 stars). 2 submissions from 2 submitters: Uncertain significance (2). Last evaluated 2022-08-03.

Conditions:
Primary familial hypertrophic cardiomyopathy (HCM). Identifiers: Orphanet 99739, MedGen C0949658, MeSH D024741, MONDO:0024573. Inheritance: Various modes of inheritance.
Dilated cardiomyopathy 1AA (CMD1AA). Also called: Cardiomyopathy, dilated, 1AA, with or without LVNC; CARDIOMYOPATHY, DILATED, 1AA, WITH OR WITHOUT LEFT VENTRICULAR NONCOMPACTION; CARDIOMYOPATHY, FAMILIAL HYPERTROPHIC, 23, WITH OR WITHOUT LEFT VENTRICULAR NONCOMPACTION. Identifiers: Orphanet 154, MedGen C2677338, MONDO:0012808, OMIM 612158.

Submissions (4):

Labcorp Genetics (formerly Invitae), Labcorp
Classification: Uncertain significance for Primary familial hypertrophic cardiomyopathy; Dilated cardiomyopathy 1AA. Last evaluated: 2022-08-03. Review status: criteria provided, single submitter. Criteria: Invitae Variant Classification Sherloc (09022015). Collection method: clinical testing. Allele origin: germline.
Comment: In summary, the available evidence is currently insufficient to determine the role of this variant in disease. Therefore, it has been classified as a Variant of Uncertain Significance. Algorithms developed to predict the effect of missense changes on protein structure and function are either unavailable or do not agree on the potential impact of this missense change (SIFT: "Deleterious"; PolyPhen-2: "Probably Damaging"; Align-GVGD: "Class C0"). ClinVar contains an entry for this variant (Variation ID: 373783). This variant has not been reported in the literature in individuals affected with ACTN2-related conditions. This variant is not present in population databases (gnomAD no frequency). This sequence change replaces glutamine, which is neutral and polar, with leucine, which is neutral and non-polar, at codon 22 of the ACTN2 protein (p.Gln22Leu).

GeneDx
Classification: Uncertain significance. Last evaluated: 2016-12-12. Review status: criteria provided, single submitter. Criteria: GeneDx Variant Classification (06012015). Collection method: clinical testing. Allele origin: germline. Affected: yes.
Comment: A novel variant of uncertain significance has been identified in the ACTN2 gene. The Q22L variant has not been published as a pathogenic variant, nor has it been reported as a benign variant to our knowledge. It was not observed in approximately 6,500 individuals of European and African American ancestry in the NHLBI Exome Sequencing Project, indicating it is not a common benign variant in these populations. In addition, Q22L is a non-conservative amino acid substitution, which is likely to impact secondary protein structure as these residues differ in polarity, charge, size and/or other properties. Moreover, this substitution occurs at a position that is conserved across species, and in silico analysis predicts this variant is probably damaging to the protein structure/function. Nonetheless, this variant lacks observation in a significant number of affected individuals, segregation data, and functional evidence, all of which would further clarify pathogenicity.Therefore, based on the currently available information, it is unclear whether this variant is pathogenic or rare benign. This result cannot be interpreted for diagnosis or used for family member screening at this time.

Avery Lab, Oakland University
No classification provided (evidence only). Condition: Dilated cardiomyopathy 1AA; Hypertrophic cardiomyopathy 1. Review status: no classification provided. Collection method: in vivo. Allele origin: not applicable. Functional consequence: loss of function. Not counted in ClinVar's aggregate classification.

Avery Lab, Oakland University
No classification provided (evidence only). Condition: Dilated cardiomyopathy 1AA; Hypertrophic cardiomyopathy 1. Review status: no classification provided. Collection method: in vitro. Allele origin: not applicable. Functional consequence: loss of function. Not counted in ClinVar's aggregate classification.

NM_001103.4(ACTN2):c.65A>T (p.Gln22Leu)

Gene: ACTN2 (actinin alpha 2; plus strand). Cytogenetic location: 1q43.
Variant type: single nucleotide variant.
Coding change: c.65A>T on transcript NM_001103.4 (MANE Select); coding-DNA position 65, A replaced by T.
Protein change: p.Gln22Leu; replaces glutamine 22 with leucine.
Molecular consequence: missense variant. On other transcripts: 5 prime UTR variant (1).
Genome position (GRCh38, 1-based): chr1:236,686,738, A>T. VCF-style: chr1-236686738-A-T. GRCh37 (hg19) VCF-style: chr1-236850038-A-T.
Other names: c.65A>T, p.Gln22Leu (NM_001278343.2); c.-757A>T (NM_001278344.2); short protein forms Q22L.
Identifiers: ClinVar variation 373783 (VCV000373783.8), dbSNP rs1057518609, ClinGen allele CA16042379.